The following is an entry in ClinVar:

NM_021930.6(RINT1):c.1887-4_1892del

Genes: EFCAB10 (EF-hand calcium binding domain 10; minus strand), RINT1 (RAD50 interactor 1; plus strand). Cytogenetic location: 7q22.3.
Variant type: Deletion.
Coding change: c.1887-4_1892del on transcript NM_021930.6 (MANE Select); 4 bases into the intron before coding-DNA position 1887 through coding-DNA position 1892, 10 bases deleted (CCAGATGGTT; older notation c.1887-4_1892delCCAGATGGTT).
Molecular consequence: splice acceptor variant. On other transcripts: 3 prime UTR variant (3).
Genome position (GRCh38, 1-based): chr7:105,565,273-105,565,282, CCAGATGGTT deleted; deleting any 10 consecutive bases within chr7:105,565,271-105,565,282 gives the same sequence; the c. name uses the placement nearest the transcript's 3' end. VCF-style (leftmost placement, unchanged base first): chr7-105565270-TTTCCAGATGG-T. GRCh37 (hg19) VCF-style: chr7-105205717-TTTCCAGATGG-T.
Other names: c.*167_*176del (NM_001355526.2); c.*269_*278del (NM_001355530.2); c.*122_*131del (NM_001355531.2); c.864-4_869del (NM_001346600.2, NM_001346603.2); c.963-4_968del (NM_001346601.2); c.1653-4_1658del (NM_001346599.2); c.1887-4_1892del10 (NM_021930.4).
Identifiers: ClinVar variation 1930427 (VCV001930427.6), dbSNP rs2485181856, ClinGen allele CA2578984465.

ClinVar aggregate classification (germline): Conflicting classifications of pathogenicity. Review status: criteria provided, conflicting classifications (1 of 4 stars). 2 submissions from 2 submitters: Likely pathogenic (1); Uncertain significance (1). Last evaluated 2024-09-14.

Submissions (2):

Ambry Genetics
Classification: Uncertain significance. Last evaluated: 2024-09-14. Review status: criteria provided, single submitter. Criteria: Ambry Variant Classification Scheme 2023. Collection method: clinical testing. Allele origin: germline.
Comment: The c.1887-4_1892del10 variant results from a deletion of 10 nucleotides between positions c.1887-4 and c.1892 and involves the canonical splice acceptor site before coding exon 13 of the RINT1 gene. In silico splice site analysis predicts that this alteration will result in the creation or strengthening of a novel splice acceptor site. This nucleotide region is not well conserved in available vertebrate species. Alterations that disrupt the canonical splice site are expected to cause aberrant splicing, resulting in an abnormal protein or a transcript that is subject to nonsense-mediated mRNA decay. The evidence for this gene-disease relationship is limited; therefore, the clinical significance of this alteration is unclear.

Labcorp Genetics (formerly Invitae), Labcorp
Classification: Likely pathogenic. Last evaluated: 2024-07-22. Review status: criteria provided, single submitter. Criteria: Invitae Variant Classification Sherloc (09022015). Collection method: clinical testing. Allele origin: germline.
Comment: This variant results in the deletion of part of exon 13 (c.1887-4_1892del) of the RINT1 gene. It is expected to disrupt RNA splicing. Variants that disrupt the donor or acceptor splice site typically lead to a loss of protein function (PMID: 16199547), and loss-of-function variants in RINT1 are known to be pathogenic (PMID: 31204009). This variant is not present in population databases (gnomAD no frequency). This variant has not been reported in the literature in individuals affected with RINT1-related conditions. ClinVar contains an entry for this variant (Variation ID: 1930427). In summary, the currently available evidence indicates that the variant is pathogenic, but additional data are needed to prove that conclusively. Therefore, this variant has been classified as Likely Pathogenic.

Literature cited by the submitters: PubMed 16199547 (cited by Labcorp Genetics (formerly Invitae), Labcorp); PubMed 31204009 (cited by Labcorp Genetics (formerly Invitae), Labcorp).